The following is an entry in ClinVar:

ClinVar aggregate classification (germline): Pathogenic (1 of 4 stars; one submission).

Submission:

Quest Diagnostics Nichols Institute San Juan Capistrano
Classification: Pathogenic. Last evaluated: 2022-07-18. Review status: criteria provided, single submitter. Criteria: ACMG/ClinGen CNV Guidelines, 2019. Collection method: clinical testing. Allele origin: unknown.
Comment: This copy number loss is associated with the proximal (LCR22 A-C) 22q11.2 deletion syndrome, a.k.a. Velocardiofacial syndrome (VCFS) or DiGeorge syndrome (DGS) (OMIM 192430; OMIM 188400). Haploinsufficiency of the TBX1 gene in particular is responsible for most of the clinical features. See GeneReviews for additional information and references.

GRCh37/hg19 22q11.1-11.21(chr22:17832142-20945625)x1

Genes: ARVCF (ARVCF delta catenin family member; minus strand), ATP6V1E1 (ATPase H+ transporting V1 subunit E1; minus strand), BCL2L13 (BCL2 like 13; plus strand), BID (BH3 interacting domain death agonist; minus strand), C22orf39 (chromosome 22 open reading frame 39; minus strand) and 42 more. Cytogenetic location: 22q11.1-11.21.
Variant type: copy number loss.
Change: copy number 1 (one copy instead of two) of chr22:17,832,142-20,945,625 (3.11 Mb, GRCh37 coordinates, 1-based), cytogenetic band 22q11.1-11.21.
Identifiers: ClinVar variation 2685672 (VCV002685672.1).